The following is an entry in ClinVar:

ClinVar aggregate classification (germline): Uncertain significance (1 of 4 stars; one submission).

Submission:

GeneDx
Classification: Uncertain significance. Last evaluated: 2025-08-04. Review status: criteria provided, single submitter. Criteria: GeneDx Variant Classification Process June 2021. Collection method: clinical testing. Allele origin: germline. Affected: yes.
Comment: Not observed at significant frequency in large population cohorts (gnomAD); In silico analysis supports that this missense variant has a deleterious effect on protein structure/function; Has not been previously published as pathogenic or benign to our knowledge

NM_000944.5(PPP3CA):c.443G>A (p.Arg148His)

Gene: PPP3CA (protein phosphatase 3 catalytic subunit alpha; minus strand). Cytogenetic location: 4q24.
Variant type: single nucleotide variant.
Coding change: c.443G>A on transcript NM_000944.5 (MANE Select); coding-DNA position 443, G replaced by A.
Protein change: p.Arg148His; replaces arginine 148 with histidine.
Molecular consequence: missense variant.
Genome position (GRCh38, 1-based): chr4:101,099,664, C>T on the plus strand (G>A on the coding strand, the complement: PPP3CA is on the minus strand). VCF-style: chr4-101099664-C-T. GRCh37 (hg19) VCF-style: chr4-102020821-C-T.
Other names: c.443G>A, p.Arg148His (NM_001130691.2, NM_001130692.2); short protein forms R148H.
Identifiers: ClinVar variation 4795532 (VCV004795532.1).